The following is an entry in ClinVar:

ClinVar aggregate classification (germline): Likely benign (0 of 4 stars; one submission).

Conditions:
PTPRM-related disorder. Also called: PTPRM-related condition.

Allele frequency attached by ClinVar (database versions not stated): gnomAD exomes 0.00006; ExAC 0.00013; gnomAD 0.00033; TOPMed 0.00045; ESP Exome Variant Server 0.00054; 1000 Genomes Project 30x 0.00062; 1000 Genomes Project 0.00080.
gnomAD v4.1: 133 of 1,613,944 alleles (0.0082%); highest among the groups gnomAD compares: African/African-American, 0.089%; no homozygotes.

Submission:

PreventionGenetics, part of Exact Sciences
Classification: Likely benign for PTPRM-related condition. Last evaluated: 2019-04-11. Review status: no assertion criteria provided. Collection method: clinical testing. Allele origin: germline.
Comment: This variant is classified as likely benign based on ACMG/AMP sequence variant interpretation guidelines (Richards et al. 2015 PMID: 25741868, with internal and published modifications).

NM_001105244.2(PTPRM):c.147G>A (p.Glu49=)

Gene: PTPRM (protein tyrosine phosphatase receptor type M; plus strand). Cytogenetic location: 18p11.23.
Variant type: single nucleotide variant.
Coding change: c.147G>A on transcript NM_001105244.2 (MANE Select); coding-DNA position 147, G replaced by A.
Protein change: p.Glu49=; no amino-acid change (glutamic acid 49 retained).
Molecular consequence: synonymous variant.
Genome position (GRCh38, 1-based): chr18:7,774,222, G>A. VCF-style: chr18-7774222-G-A. GRCh37 (hg19) VCF-style: chr18-7774220-G-A.
Other names: c.147G>A, p.Glu49= (NM_002845.4).
Identifiers: ClinVar variation 3058707 (VCV003058707.2), dbSNP rs113690903, ClinGen allele CA8883782.